The following is an entry in ClinVar:

ClinVar aggregate classification (germline): Uncertain significance. Review status: criteria provided, multiple submitters, no conflicts (2 of 4 stars). 2 submissions from 2 submitters: Uncertain significance (2). Last evaluated 2024-06-04.

Conditions:
Pseudoxanthoma elasticum, forme fruste. Also called: Pseudoxanthoma Elasticum, Incomplete; PSEUDOXANTHOMA ELASTICUM, HETEROZYGOUS. Identifiers: Orphanet 758, MedGen C1867450, MONDO:0008333, OMIM 177850.
Arterial calcification, generalized, of infancy, 2. Identifiers: Orphanet 51608, MedGen C3276161, MONDO:0013768, OMIM 614473.
Autosomal recessive inherited pseudoxanthoma elasticum (PXE). Identifiers: Orphanet 758, MedGen CN032334, MONDO:0009925, OMIM 264800.

Submissions (2):

Fulgent Genetics
Classification: Uncertain significance for Pseudoxanthoma elasticum, forme fruste; Autosomal recessive inherited pseudoxanthoma elasticum; Arterial calcification, generalized, of infancy, 2. Last evaluated: 2024-06-04. Review status: criteria provided, single submitter. Criteria: ACMG Guidelines, 2015. Collection method: clinical testing. Allele origin: germline.

Labcorp Genetics (formerly Invitae), Labcorp
Classification: Uncertain significance. Last evaluated: 2023-05-15. Review status: criteria provided, single submitter. Criteria: Invitae Variant Classification Sherloc (09022015). Collection method: clinical testing. Allele origin: germline.
Comment: This sequence change replaces serine, which is neutral and polar, with leucine, which is neutral and non-polar, at codon 893 of the ABCC6 protein (p.Ser893Leu). This variant is not present in population databases (gnomAD no frequency). This variant has not been reported in the literature in individuals affected with ABCC6-related conditions. ClinVar contains an entry for this variant (Variation ID: 1962351). Advanced modeling of protein sequence and biophysical properties (such as structural, functional, and spatial information, amino acid conservation, physicochemical variation, residue mobility, and thermodynamic stability) performed at Invitae indicates that this missense variant is not expected to disrupt ABCC6 protein function. In summary, the available evidence is currently insufficient to determine the role of this variant in disease. Therefore, it has been classified as a Variant of Uncertain Significance.

NM_001171.6(ABCC6):c.2678C>T (p.Ser893Leu)

Gene: ABCC6 (ATP binding cassette subfamily C member 6; minus strand). Cytogenetic location: 16p13.11.
Variant type: single nucleotide variant.
Coding change: c.2678C>T on transcript NM_001171.6 (MANE Select); coding-DNA position 2678, C replaced by T.
Protein change: p.Ser893Leu; replaces serine 893 with leucine.
Molecular consequence: missense variant. On other transcripts: non-coding transcript variant (1).
Genome position (GRCh38, 1-based): chr16:16,173,393, G>A on the plus strand (C>T on the coding strand, the complement: ABCC6 is on the minus strand). VCF-style: chr16-16173393-G-A. GRCh37 (hg19) VCF-style: chr16-16267250-G-A.
Other names: c.2336C>T, p.Ser779Leu (NM_001351800.1); short protein forms S779L, S893L.
Identifiers: ClinVar variation 1962351 (VCV001962351.5), dbSNP rs1481200467, ClinGen allele CA394886281.